The following is an entry in ClinVar:

NM_005655.4(KLF10):c.657T>G (p.Asp219Glu)

Gene: KLF10 (KLF transcription factor 10; minus strand). Cytogenetic location: 8q22.3.
Variant type: single nucleotide variant.
Coding change: c.657T>G on transcript NM_005655.4 (MANE Select); coding-DNA position 657, T replaced by G.
Protein change: p.Asp219Glu; replaces aspartic acid 219 with glutamic acid.
Molecular consequence: missense variant.
Genome position (GRCh38, 1-based): chr8:102,651,675, A>C on the plus strand (T>G on the coding strand, the complement: KLF10 is on the minus strand). VCF-style: chr8-102651675-A-C. GRCh37 (hg19) VCF-style: chr8-103663903-A-C.
Other names: c.657T>G (NM_005655.2); c.624T>G, p.Asp208Glu (NM_001032282.4); short protein forms D219E, D208E.
Identifiers: ClinVar variation 1388360 (VCV001388360.9), dbSNP rs1249558746, ClinGen allele CA371627727.
Genomic context (GRCh38, chr8:102,651,675, plus strand): 5'-GACCGTCTCTGAGGAAGGCACAGAAAAGTCATAAAGTGCAGCACTTGCTTTCTCATCAAC[A>C]TCTGCCACTGTGTTTCTCTCACATTTGGATCTGTTTGGTGACACAGCGGCACATGGTATG-3'
Protein context (NP_005646.1, residues 209-229): RSKCERNTVA[Asp219Glu]VDEKASAALY

ClinVar aggregate classification (germline): Uncertain significance. Review status: criteria provided, multiple submitters, no conflicts (2 of 4 stars). 2 submissions from 2 submitters: Uncertain significance (2). Last evaluated 2024-09-16.

Allele frequency attached by ClinVar (database versions not stated): TOPMed 0.00002; gnomAD 0.00003.

Submissions (2):

Labcorp Genetics (formerly Invitae), Labcorp
Classification: Uncertain significance. Last evaluated: 2024-09-16. Review status: criteria provided, single submitter. Criteria: Invitae Variant Classification Sherloc (09022015). Collection method: clinical testing. Allele origin: germline.
Comment: This sequence change replaces aspartic acid, which is acidic and polar, with glutamic acid, which is acidic and polar, at codon 219 of the KLF10 protein (p.Asp219Glu). This variant is present in population databases (no rsID available, gnomAD 0.007%). This variant has not been reported in the literature in individuals affected with KLF10-related conditions. ClinVar contains an entry for this variant (Variation ID: 1388360). An algorithm developed to predict the effect of missense changes on protein structure and function outputs the following: PolyPhen-2: "Benign". The glutamic acid amino acid residue is found in multiple mammalian species, which suggests that this missense change does not adversely affect protein function. In summary, the available evidence is currently insufficient to determine the role of this variant in disease. Therefore, it has been classified as a Variant of Uncertain Significance.

Ambry Genetics
Classification: Uncertain significance. Last evaluated: 2023-01-26. Review status: criteria provided, single submitter. Criteria: Ambry Variant Classification Scheme 2023. Collection method: clinical testing. Allele origin: germline.